The following is an entry in ClinVar:

ClinVar aggregate classification (germline): Uncertain significance (1 of 4 stars; one submission).

Conditions:
Epidermolysis bullosa simplex with nail dystrophy (EBS5D). Identifiers: MedGen C4225309, MONDO:0014661, OMIM 616487.
Epidermolysis bullosa simplex, Ogna type (EBS5A). Also called: Pidermolysis bullosa simplex 5A, Ogna type; EPIDERMOLYSIS BULLOSA SIMPLEX 5A, OGNA TYPE. Identifiers: Orphanet 79401, MedGen C0432317, MONDO:0007555, OMIM 131950.
Autosomal recessive limb-girdle muscular dystrophy type 2Q (LGMDR17). Also called: MUSCULAR DYSTROPHY, LIMB-GIRDLE, AUTOSOMAL RECESSIVE 17. Identifiers: Orphanet 254361, MedGen C3150989, MONDO:0013390, OMIM 613723.
Epidermolysis bullosa simplex 5B, with muscular dystrophy (EBS5B). Also called: Epidermolysis bullosa simplex with muscular dystrophy; EPIDERMOLYSIS BULLOSA SIMPLEX AND LIMB-GIRDLE MUSCULAR DYSTROPHY. Identifiers: Orphanet 257, MedGen C2931072, MONDO:0009181, OMIM 226670.
Epidermolysis bullosa simplex 5C, with pyloric atresia (EBS5C). Also called: PLEC-Related Epidermolysis Bullosa with Pyloric Atresia; Epidermolysis bullosa simplex with pyloric atresia; PLEC1-Related Epidermolysis Bullosa with Pyloric Atresia. Identifiers: Orphanet 158684, MedGen C2677349, MONDO:0012807, OMIM 612138.

Submission:

Labcorp Genetics (formerly Invitae), Labcorp
Classification: Uncertain significance for Autosomal recessive limb-girdle muscular dystrophy type 2Q; Epidermolysis bullosa simplex, Ogna type; Epidermolysis bullosa simplex with nail dystrophy; Epidermolysis bullosa simplex 5C, with pyloric atresia; Epidermolysis bullosa simplex 5B, with muscular dystrophy. Last evaluated: 2024-07-22. Review status: criteria provided, single submitter. Criteria: Invitae Variant Classification Sherloc (09022015). Collection method: clinical testing. Allele origin: germline.
Comment: The PLEC gene has multiple clinically relevant transcripts. This variant occurs in alternate transcript NM_201378.3, and corresponds to NM_000445.4: c.193+1707G in the primary transcript. This sequence change affects the initiator methionine of the PLEC mRNA. The next in-frame methionine is located at codon 81. This variant is not present in population databases (gnomAD no frequency). Disruption of the initiator codon has been observed in individual(s) with limb-girdle muscular dystrophy (Invitae). Algorithms developed to predict the effect of sequence changes on RNA splicing suggest that this variant is not likely to affect RNA splicing. In summary, the available evidence is currently insufficient to determine the role of this variant in disease. Therefore, it has been classified as a Variant of Uncertain Significance.

NM_201378.4(PLEC):c.3G>A (p.Met1Ile)

Gene: PLEC (plectin; minus strand). Cytogenetic location: 8q24.3.
Variant type: single nucleotide variant.
Coding change: c.3G>A on transcript NM_201378.4 (MANE Plus Clinical); coding-DNA position 3, G replaced by A.
Protein change: p.Met1Ile; changes the start codon (methionine 1).
Molecular consequence: missense variant, initiator codon variant. On other transcripts: intron variant (2).
Genome position (GRCh38, 1-based): chr8:143,973,470, C>T on the plus strand (G>A on the coding strand, the complement: PLEC is on the minus strand). VCF-style: chr8-143973470-C-T. GRCh37 (hg19) VCF-style: chr8-145047638-C-T.
Other names: c.193+1707G>A (NM_001410941.1, NM_000445.5); short protein forms M1I.
Identifiers: ClinVar variation 3751039 (VCV003751039.2).
Genomic context (GRCh38, chr8:143,973,470, plus strand): 5'-CTTCTCGCGCACCTCCTCGTAGGCCTGGATGAAGTCCTGCTCGTCGGGCAGCGGGCCGGC[C>T]ATGCCGGCGGGCGCGGGGCGCGGGGTGCAGCGGAGCCTCCAGCACCCGGCGGCCACTCTG-3'
Protein context (NP_958780.1, residues 1-11): [Met1Ile]AGPLPDEQDF